The following is an entry in ClinVar:

NM_015450.3(POT1):c.1127A>C (p.Gln376Pro)

Gene: POT1 (protection of telomeres 1; minus strand). Cytogenetic location: 7q31.33.
Variant type: single nucleotide variant.
Coding change: c.1127A>C on transcript NM_015450.3 (MANE Select); coding-DNA position 1127, A replaced by C.
Protein change: p.Gln376Pro; replaces glutamine 376 with proline.
Molecular consequence: missense variant. On other transcripts: non-coding transcript variant (3).
Genome position (GRCh38, 1-based): chr7:124,842,843, T>G on the plus strand (A>C on the coding strand, the complement: POT1 is on the minus strand). VCF-style: chr7-124842843-T-G. GRCh37 (hg19) VCF-style: chr7-124482897-T-G.
Other names: c.734A>C, p.Gln245Pro (NM_001042594.2); short protein forms Q376P, Q245P.
Identifiers: ClinVar variation 2859340 (VCV002859340.3), dbSNP rs143635917, ClinGen allele CA369068224.
Genomic context (GRCh38, chr7:124,842,843, plus strand): 5'-TGTTTTATTATGGAAAATACTCACAGCAAATGACATTTAGGGCAATGAAGTTTAACAGAC[T>G]GAAATAGTCTTCTGGGCTTATATGACCTCAATTTTGCTCGGATGCGGTATTGTTGAGGAG-3'
Protein context (NP_056265.2, residues 366-386): LRSYKPRRLF[Gln376Pro]SVKLHCPKCH

ClinVar aggregate classification (germline): Uncertain significance (1 of 4 stars; one submission).

Conditions:
Tumor predisposition syndrome 3 (TPDS3). Also called: LONG TELOMERE SYNDROME, POT1-RELATED; POT1 Tumor Predisposition; Melanoma, cutaneous malignant, susceptibility to, 10; Glioma susceptibility 9. Identifiers: Orphanet 618, MedGen C4014476, MONDO:0014368, OMIM 615848.

Submission:

Labcorp Genetics (formerly Invitae), Labcorp
Classification: Uncertain significance for Tumor predisposition syndrome 3. Last evaluated: 2023-04-26. Review status: criteria provided, single submitter. Criteria: Invitae Variant Classification Sherloc (09022015). Collection method: clinical testing. Allele origin: germline.
Comment: In summary, the available evidence is currently insufficient to determine the role of this variant in disease. Therefore, it has been classified as a Variant of Uncertain Significance. Advanced modeling of protein sequence and biophysical properties (such as structural, functional, and spatial information, amino acid conservation, physicochemical variation, residue mobility, and thermodynamic stability) performed at Invitae indicates that this missense variant is not expected to disrupt POT1 protein function. This variant has not been reported in the literature in individuals affected with POT1-related conditions. This variant is not present in population databases (gnomAD no frequency). This sequence change replaces glutamine, which is neutral and polar, with proline, which is neutral and non-polar, at codon 376 of the POT1 protein (p.Gln376Pro).